The following is an entry in ClinVar:

ClinVar aggregate classification (germline): Uncertain significance. Review status: criteria provided, multiple submitters, no conflicts (2 of 4 stars). 2 submissions from 2 submitters: Uncertain significance (2). Last evaluated 2026-03-05.

Conditions:
Deficiency of butyryl-CoA dehydrogenase (ACADSD). Also called: ACADS DEFICIENCY; Short-Chain Acyl-CoA Dehydrogenase Deficiency; SCAD DEFICIENCY, MILD; ACYL-CoA DEHYDROGENASE, SHORT-CHAIN, DEFICIENCY OF; SCAD Deficiency; SCADH DEFICIENCY. Identifiers: Orphanet 26792, MedGen C0342783, MONDO:0008722, OMIM 201470. Disease mechanism: May be benign.

Allele frequency attached by ClinVar (database versions not stated): gnomAD exomes below 0.00001.
gnomAD v4.1: 2 of 1,614,122 alleles (0.00012%); highest among the groups gnomAD compares: Non-Finnish European, 0.000085%; no homozygotes.

Submissions (2):

Dasa
Classification: Uncertain significance. Last evaluated: 2026-03-05. Review status: criteria provided, single submitter. Criteria: DASA Assertion Criteria. Collection method: clinical testing. Allele origin: germline.
Comment: NM_000017.4(ACADS):c.712A>G (p.Thr238Ala) is a missense variant that results in the substitution of threonine with alanine. This variant is rare in population databases. Computational prediction algorithms are consistent with a deleterious effect. The currently available literature and clinical evidence are not sufficient to establish a definitive association between this variant and the reported condition. Therefore, this variant is classified as a variant of uncertain significance.

Labcorp Genetics (formerly Invitae), Labcorp
Classification: Uncertain significance for Deficiency of butyryl-CoA dehydrogenase. Last evaluated: 2021-10-18. Review status: criteria provided, single submitter. Criteria: Invitae Variant Classification Sherloc (09022015). Collection method: clinical testing. Allele origin: germline.
Comment: In summary, the available evidence is currently insufficient to determine the role of this variant in disease. Therefore, it has been classified as a Variant of Uncertain Significance. Advanced modeling of protein sequence and biophysical properties (such as structural, functional, and spatial information, amino acid conservation, physicochemical variation, residue mobility, and thermodynamic stability) performed at Invitae indicates that this missense variant is expected to disrupt ACADS protein function. This variant has not been reported in the literature in individuals affected with ACADS-related conditions. This variant is not present in population databases (ExAC no frequency). This sequence change replaces threonine with alanine at codon 238 of the ACADS protein (p.Thr238Ala). The threonine residue is highly conserved and there is a small physicochemical difference between threonine and alanine.

NM_000017.4(ACADS):c.712A>G (p.Thr238Ala)

Gene: ACADS (acyl-CoA dehydrogenase short chain; plus strand). Cytogenetic location: 12q24.31.
Variant type: single nucleotide variant.
Coding change: c.712A>G on transcript NM_000017.4 (MANE Select); coding-DNA position 712, A replaced by G.
Protein change: p.Thr238Ala; replaces threonine 238 with alanine.
Molecular consequence: missense variant.
Genome position (GRCh38, 1-based): chr12:120,738,367, A>G. VCF-style: chr12-120738367-A-G. GRCh37 (hg19) VCF-style: chr12-121176170-A-G.
Other names: c.700A>G, p.Thr234Ala (NM_001302554.2); short protein forms T234A, T238A.
Identifiers: ClinVar variation 1509734 (VCV001509734.8), dbSNP rs2136949858, ClinGen allele CA386600921.